The following is an entry in ClinVar:

ClinVar aggregate classification (germline): Conflicting classifications of pathogenicity. Review status: criteria provided, conflicting classifications (1 of 4 stars). 8 submissions from 8 submitters: Uncertain significance (1); Benign (4); Likely benign (3). Last evaluated 2026-02-04.

Conditions:
Cardiomyopathy (CMYO). Also called: Cardiomyopathies. Identifiers: Orphanet 167848, MedGen C0878544, MONDO:0004994, HP:0001638. Inheritance: Various modes of inheritance.
Cardiovascular phenotype. Identifiers: MedGen CN230736.
Arrhythmogenic right ventricular cardiomyopathy (ARVD). Also called: Arrhythmogenic cardiomyopathy; Arrhythmogenic Right Ventricular Cardiomyopathy (ARVC); Arrhythmogenic right ventricular dysplasia; Cardiomyopathy, ARVC. Identifiers: Orphanet 247, MedGen C0349788, MeSH D019571, MONDO:0016587. Disease mechanism: loss of function. Inheritance: Various modes of inheritance.
Arrhythmogenic right ventricular dysplasia 9 (ARVD9). Also called: Arrhythmogenic Right Ventricular Dysplasia/Cardiomyopathy 9; ARRHYTHMOGENIC RIGHT VENTRICULAR DYSPLASIA, FAMILIAL, 9. Identifiers: MedGen C1836906, MONDO:0012180, OMIM 609040.

Allele frequency attached by ClinVar (database versions not stated): TOPMed 0.00006.
gnomAD v4.1: 54 of 1,614,128 alleles (0.0033%); highest among the groups gnomAD compares: East Asian, 0.1%; no homozygotes.

Submissions (8):

Labcorp Genetics (formerly Invitae), Labcorp
Classification: Benign for Arrhythmogenic right ventricular dysplasia 9. Last evaluated: 2026-02-04. Review status: criteria provided, single submitter. Criteria: Invitae Variant Classification Sherloc (09022015). Collection method: clinical testing. Allele origin: germline.

Blueprint Genetics
Classification: Likely benign. Last evaluated: 2024-06-14. Review status: criteria provided, single submitter. Criteria: ACMG Guidelines, 2015. Collection method: clinical testing. Allele origin: germline.

All of Us Research Program, National Institutes of Health
Classification: Benign for Arrhythmogenic right ventricular cardiomyopathy. Last evaluated: 2024-01-03. Review status: criteria provided, single submitter. Criteria: ACMG Guidelines, 2015. Collection method: clinical testing. Allele origin: germline. Inheritance: Autosomal dominant inheritance. Observed: 19 variant alleles, 19 heterozygotes.
Comment: This study involves interpretation of variants in research participants for the purpose of population health screening. Participant phenotype was not available at the time of variant classification. Additional details can be found in publication PMID: 35346344, PMCID: PMC8962531

Ambry Genetics
Classification: Likely benign for Cardiovascular phenotype. Last evaluated: 2021-04-11. Review status: criteria provided, single submitter. Criteria: Ambry Variant Classification Scheme 2023. Collection method: clinical testing. Allele origin: germline.

Color Diagnostics, LLC DBA Color Health
Classification: Benign for Cardiomyopathy. Last evaluated: 2018-08-05. Review status: criteria provided, single submitter. Criteria: ACMG Guidelines, 2015. Collection method: clinical testing. Allele origin: germline.

Illumina Laboratory Services, Illumina
Classification: Uncertain significance for Arrhythmogenic right ventricular dysplasia 9. Last evaluated: 2017-12-03. Review status: criteria provided, single submitter. Criteria: ICSL Variant Classification Criteria 13 December 2019. Collection method: clinical testing. Allele origin: germline.
Comment: This variant was observed as part of a predisposition screen in an ostensibly healthy population. A literature search was performed for the gene, cDNA change, and amino acid change (where applicable). Publications were found based on this search. However, the evidence from the literature, in combination with allele frequency data from public databases where available, was not sufficient to rule this variant in or out of causing disease. Therefore, this variant is classified as a variant of unknown significance.

GeneDx
Classification: Benign. Last evaluated: 2015-03-03. Review status: criteria provided, single submitter. Criteria: GeneDx Variant Classification Process June 2021. Collection method: clinical testing. Allele origin: germline. Affected: yes.

Laboratory for Molecular Medicine, Mass General Brigham Personalized Medicine
Classification: Likely benign. Last evaluated: 2015-02-18. Review status: criteria provided, single submitter. Criteria: LMM Criteria. Collection method: clinical testing. Allele origin: germline. Observed: 1 variant allele.
Comment: p.Thr723Thr in exon 11 of PKP2: This variant is not expected to have clinical si gnificance because it does not alter an amino acid residue and is not located wi thin the splice consensus sequence. It has been identified in 0.2% (21/8652) of Asian chromosomes by the Exome Aggregation Consortium (ExAC).

Literature cited by the submitters: PubMed 27122407 (cited by Illumina Laboratory Services, Illumina).

NM_001005242.3(PKP2):c.2037A>G (p.Thr679=)

Gene: PKP2 (plakophilin 2; minus strand). Cytogenetic location: 12p11.21.
Variant type: single nucleotide variant.
Coding change: c.2037A>G on transcript NM_001005242.3 (MANE Select); coding-DNA position 2037, A replaced by G.
Protein change: p.Thr679=; no amino-acid change (threonine 679 retained).
Molecular consequence: synonymous variant.
Genome position (GRCh38, 1-based): chr12:32,802,533, T>C on the plus strand (A>G on the coding strand, the complement: PKP2 is on the minus strand). VCF-style: chr12-32802533-T-C. GRCh37 (hg19) VCF-style: chr12-32955467-T-C.
Other names: c.2169A>G, p.Thr723= (NM_004572.4).
Identifiers: ClinVar variation 227847 (VCV000227847.26), dbSNP rs377504106, ClinGen allele CA033223.
Genomic context (GRCh38, chr12:32,802,533, plus strand): 5'-TGGGTCACCAACATGCAGCATCTTTCGGGTGTGCTGCAGGCCACTTTCCTTCTGGACAAC[T>C]GTCTGAGCCACTGATGTCGGCATCTGTTTTGTGAGACATATCCTATAAGTGCTATTGTAT-3'
Protein context (NP_001005242.2, residues 669-689): SGPMPTSVAQ[Thr679=]VVQKESGLQH